The following is an entry in ClinVar:

ClinVar aggregate classification (germline): Benign (1 of 4 stars; one submission).

Conditions:
Familial adenomatous polyposis 1 (FAP1). Also called: POLYPOSIS, ADENOMATOUS INTESTINAL; FAMILIAL ADENOMATOUS POLYPOSIS 1, ATTENUATED. Identifiers: MedGen C2713442, MONDO:0021056, OMIM 175100. Disease mechanism: loss of function.

Submission:

Myriad Genetics, Inc.
Classification: Benign for Familial adenomatous polyposis 1. Last evaluated: 2024-03-28. Review status: criteria provided, single submitter. Criteria: Myriad Autosomal Dominant, Autosomal Recessive and X-Linked Classification Criteria (2023). Collection method: clinical testing. Allele origin: unknown.
Comment: This variant is considered benign. This variant is a silent/synonymous amino acid change and it is not expected to impact splicing.

NM_000038.6(APC):c.5046T>C (p.Gly1682=)

Gene: APC (APC regulator of Wnt signaling pathway; plus strand). Cytogenetic location: 5q22.2.
Variant type: single nucleotide variant.
Coding change: c.5046T>C on transcript NM_000038.6 (MANE Select); coding-DNA position 5046, T replaced by C.
Protein change: p.Gly1682=; no amino-acid change (glycine 1682 retained).
Molecular consequence: synonymous variant. On other transcripts: non-coding transcript variant (2).
Genome position (GRCh38, 1-based): chr5:112,840,640, T>C. VCF-style: chr5-112840640-T-C. GRCh37 (hg19) VCF-style: chr5-112176337-T-C.
Other names: c.5046T>C, p.Gly1682= (NM_001127510.3, NM_001354895.2, NM_001407450.1); c.5076T>C, p.Gly1692= (NM_001354897.2); c.4971T>C, p.Gly1657= (NM_001354898.2); c.4992T>C, p.Gly1664= (NM_001127511.3); c.5100T>C, p.Gly1700= (NM_001354896.2, NM_001407447.1, NM_001407448.1 and 1 more transcripts); c.4962T>C, p.Gly1654= (NM_001354899.2); c.4923T>C, p.Gly1641= (NM_001354900.2); c.4869T>C, p.Gly1623= (NM_001354901.2, NM_001407453.1); and 11 more.
Identifiers: ClinVar variation 3148425 (VCV003148425.1), dbSNP rs2149930644, ClinGen allele CA446209538.